The following is an entry in ClinVar:

NM_000135.4(FANCA):c.4083_4084insG (p.Leu1362fs)

Genes: FANCA (FA complementation group A; minus strand), ZNF276 (zinc finger protein 276; plus strand). Cytogenetic location: 16q24.3.
Variant type: Insertion.
Coding change: c.4083_4084insG on transcript NM_000135.4 (MANE Select); coding-DNA positions 4083 to 4084, G inserted.
Protein change: p.Leu1362fs; shifts the reading frame from leucine 1362.
Molecular consequence: frameshift variant. On other transcripts: 3 prime UTR variant (2), non-coding transcript variant (4).
Genome position: GRCh38 VCF-style: chr16-89739216-A-AC. GRCh37 (hg19) VCF-style: chr16-89805624-A-AC.
Other names: c.4083_4084insG, p.Leu1362fs (NM_001286167.3); c.*970_*971insC (NM_001113525.2, NM_152287.4); short protein forms L1362fs.
Identifiers: ClinVar variation 974167 (VCV000974167.1), dbSNP rs2062057035, ClinGen allele CA1139664944.

ClinVar aggregate classification (germline): Pathogenic (0 of 4 stars; one submission).

Conditions:
Fanconi anemia complementation group A (FANCA). Also called: Fanconi anemia, group A; FANCA-Related Fanconi Anemia. Identifiers: Orphanet 84, MedGen C3469521, MONDO:0009215, OMIM 227650.

Submission:

Leiden Open Variation Database
Classification: Pathogenic for Fanconi anemia complementation group A. Last evaluated: 2020-02-28. Review status: no assertion criteria provided. Collection method: curation. Allele origin: germline. Affected: yes.
Comment: Curator: Arleen D. Auerbach. Submitter to LOVD: Johan de Winter.

Literature cited by the submitters: PubMed 17924555.